The following is an entry in ClinVar:

NM_014264.5(PLK4):c.160G>A (p.Val54Ile)

Gene: PLK4 (polo like kinase 4; plus strand). Cytogenetic location: 4q28.1.
Variant type: single nucleotide variant.
Coding change: c.160G>A on transcript NM_014264.5 (MANE Select); coding-DNA position 160, G replaced by A.
Protein change: p.Val54Ile; replaces valine 54 with isoleucine.
Molecular consequence: missense variant. On other transcripts: intron variant (1).
Genome position (GRCh38, 1-based): chr4:127,883,295, G>A. VCF-style: chr4-127883295-G-A. GRCh37 (hg19) VCF-style: chr4-128804450-G-A.
Other names: c.37G>A, p.Val13Ile (NM_001190801.2); c.127-144G>A (NM_001190799.2); short protein forms V54I, V13I.
Identifiers: ClinVar variation 1505068 (VCV001505068.7), dbSNP rs771069245, ClinGen allele CA3076512.

ClinVar aggregate classification (germline): Uncertain significance. Review status: criteria provided, multiple submitters, no conflicts (2 of 4 stars). 2 submissions from 2 submitters: Uncertain significance (2). Last evaluated 2025-07-31.

Conditions:
Microcephaly and chorioretinopathy 2. Also called: Microcephaly and chorioretinopathy, autosomal recessive, 2. Identifiers: Orphanet 808, MedGen C4015388, MONDO:0014516, OMIM 616171.

Allele frequency attached by ClinVar (database versions not stated): gnomAD 0.00001; gnomAD exomes 0.00001 and 0.00002; TOPMed 0.00002; ExAC 0.00003.
gnomAD v4.1: 16 of 1,597,240 alleles (0.001%); highest among the groups gnomAD compares: Admixed American, 0.01%; no homozygotes.

Submissions (2):

Labcorp Genetics (formerly Invitae), Labcorp
Classification: Uncertain significance. Last evaluated: 2025-07-31. Review status: criteria provided, single submitter. Criteria: Invitae Variant Classification Sherloc (09022015). Collection method: clinical testing. Allele origin: germline.
Comment: This sequence change replaces valine, which is neutral and non-polar, with isoleucine, which is neutral and non-polar, at codon 54 of the PLK4 protein (p.Val54Ile). This variant is present in population databases (rs771069245, gnomAD 0.02%). This variant has not been reported in the literature in individuals affected with PLK4-related conditions. ClinVar contains an entry for this variant (Variation ID: 1505068). An algorithm developed to predict the effect of missense changes on protein structure and function (PolyPhen-2) suggests that this variant is likely to be tolerated. In summary, the available evidence is currently insufficient to determine the role of this variant in disease. Therefore, it has been classified as a Variant of Uncertain Significance.

Fulgent Genetics
Classification: Uncertain significance for Microcephaly and chorioretinopathy 2. Last evaluated: 2021-09-14. Review status: criteria provided, single submitter. Criteria: ACMG Guidelines, 2015. Collection method: clinical testing. Allele origin: unknown.